The following is an entry in ClinVar:

ClinVar aggregate classification (germline): Pathogenic (1 of 4 stars; one submission).

Allele frequency attached by ClinVar (database versions not stated): gnomAD exomes 0.00001.
gnomAD v4.1: 22 of 1,614,050 alleles (0.0014%); highest among the groups gnomAD compares: Non-Finnish European, 0.0018%; no homozygotes.

Submission:

Labcorp Genetics (formerly Invitae), Labcorp
Classification: Pathogenic. Last evaluated: 2023-12-28. Review status: criteria provided, single submitter. Criteria: Invitae Variant Classification Sherloc (09022015). Collection method: clinical testing. Allele origin: germline.
Comment: This sequence change creates a premature translational stop signal (p.Arg236*) in the POP1 gene. It is expected to result in an absent or disrupted protein product. Loss-of-function variants in POP1 are known to be pathogenic (PMID: 21455487). This variant is not present in population databases (gnomAD no frequency). This variant has not been reported in the literature in individuals affected with POP1-related conditions. For these reasons, this variant has been classified as Pathogenic.

Literature cited by the submitters: PubMed 21455487.

NM_001145860.2(POP1):c.706C>T (p.Arg236Ter)

Gene: POP1 (POP1 ribonuclease P/MRP subunit; plus strand). Cytogenetic location: 8q22.2.
Variant type: single nucleotide variant.
Coding change: c.706C>T on transcript NM_001145860.2 (MANE Select); coding-DNA position 706, C replaced by T.
Protein change: p.Arg236Ter; replaces arginine 236 with a stop codon.
Molecular consequence: nonsense.
Genome position (GRCh38, 1-based): chr8:98,130,197, C>T. VCF-style: chr8-98130197-C-T. GRCh37 (hg19) VCF-style: chr8-99142425-C-T.
Other names: c.706C>T, p.Arg236Ter (NM_001145861.2, NM_015029.3); short protein forms R236*.
Identifiers: ClinVar variation 2719888 (VCV002719888.3), dbSNP rs749378397, ClinGen allele CA182323072.